The following is an entry in ClinVar:

NM_000642.3(AGL):c.2182G>A (p.Asp728Asn)

Gene: AGL (amylo-alpha-1,6-glucosidase and 4-alpha-glucanotransferase; plus strand). Cytogenetic location: 1p21.2.
Variant type: single nucleotide variant.
Coding change: c.2182G>A on transcript NM_000642.3 (MANE Select); coding-DNA position 2182, G replaced by A.
Protein change: p.Asp728Asn; replaces aspartic acid 728 with asparagine.
Molecular consequence: missense variant.
Genome position (GRCh38, 1-based): chr1:99,881,565, G>A. VCF-style: chr1-99881565-G-A. GRCh37 (hg19) VCF-style: chr1-100347121-G-A.
Other names: c.2182G>A, p.Asp728Asn (NM_000028.3, NM_000643.3, NM_000644.3 and 2 more transcripts); c.2134G>A, p.Asp712Asn (NM_000646.3); c.1981G>A, p.Asp661Asn (NM_001425327.1); c.1978G>A, p.Asp660Asn (NM_001425328.1, NM_001425329.1); c.1804G>A, p.Asp602Asn (NM_001425332.1); short protein forms D661N, D712N, D602N, D728N, D660N.
Identifiers: ClinVar variation 3645956 (VCV003645956.2).

ClinVar aggregate classification (germline): Uncertain significance (1 of 4 stars; one submission).

Conditions:
Glycogen storage disease type III (GSD3). Also called: FORBES DISEASE; Cori disease. Identifiers: Orphanet 366, MedGen C0017922, MONDO:0009291, OMIM 232400.

Submission:

Labcorp Genetics (formerly Invitae), Labcorp
Classification: Uncertain significance for Glycogen storage disease type III. Last evaluated: 2024-09-16. Review status: criteria provided, single submitter. Criteria: Invitae Variant Classification Sherloc (09022015). Collection method: clinical testing. Allele origin: germline.
Comment: This sequence change replaces aspartic acid, which is acidic and polar, with asparagine, which is neutral and polar, at codon 728 of the AGL protein (p.Asp728Asn). This variant is not present in population databases (gnomAD no frequency). This variant has not been reported in the literature in individuals affected with AGL-related conditions. Invitae Evidence Modeling of protein sequence and biophysical properties (such as structural, functional, and spatial information, amino acid conservation, physicochemical variation, residue mobility, and thermodynamic stability) indicates that this missense variant is not expected to disrupt AGL protein function with a negative predictive value of 80%. In summary, the available evidence is currently insufficient to determine the role of this variant in disease. Therefore, it has been classified as a Variant of Uncertain Significance.